The following is an entry in ClinVar:

NM_015459.5(ATL3):c.253T>C (p.Tyr85His)

Gene: ATL3 (atlastin GTPase 3; minus strand). Cytogenetic location: 11q13.1.
Variant type: single nucleotide variant.
Coding change: c.253T>C on transcript NM_015459.5 (MANE Select); coding-DNA position 253, T replaced by C.
Protein change: p.Tyr85His; replaces tyrosine 85 with histidine.
Molecular consequence: missense variant.
Genome position (GRCh38, 1-based): chr11:63,659,046, A>G on the plus strand (T>C on the coding strand, the complement: ATL3 is on the minus strand). VCF-style: chr11-63659046-A-G. GRCh37 (hg19) VCF-style: chr11-63426518-A-G.
Other names: c.199T>C, p.Tyr67His (NM_001290048.2); c.253T>C (NM_015459.4); short protein forms Y85H, Y67H.
Identifiers: ClinVar variation 3710519 (VCV003710519.3).

ClinVar aggregate classification (germline): Uncertain significance. Review status: criteria provided, multiple submitters, no conflicts (2 of 4 stars). 2 submissions from 2 submitters: Uncertain significance (2). Last evaluated 2025-12-29.

Conditions:
ATL3-related disorder. Also called: ATL3-related condition.
Neuropathy, hereditary sensory, type 1F. Also called: HSN IF; Hereditary sensory neuropathy type IF. Identifiers: Orphanet 36386, MedGen C3810194, MONDO:0014286, OMIM 615632.

gnomAD v4.1: 2 of 1,614,092 alleles (0.00012%); highest among the groups gnomAD compares: Non-Finnish European, 0.00017%; no homozygotes.

Submissions (2):

Labcorp Genetics (formerly Invitae), Labcorp
Classification: Uncertain significance for Neuropathy, hereditary sensory, type 1F. Last evaluated: 2025-12-29. Review status: criteria provided, single submitter. Criteria: Invitae Variant Classification Sherloc (09022015). Collection method: clinical testing. Allele origin: germline.
Comment: This sequence change replaces tyrosine, which is neutral and polar, with histidine, which is basic and polar, at codon 85 of the ATL3 protein (p.Tyr85His). This variant is not present in population databases (gnomAD no frequency). This variant has not been reported in the literature in individuals affected with ATL3-related conditions. ClinVar contains an entry for this variant (Variation ID: 3710519). An algorithm developed to predict the effect of missense changes on protein structure and function (PolyPhen-2) suggests that this variant is likely to be tolerated. In summary, the available evidence is currently insufficient to determine the role of this variant in disease. Therefore, it has been classified as a Variant of Uncertain Significance.

PreventionGenetics, part of Exact Sciences
Classification: Uncertain significance for ATL3-related condition. Last evaluated: 2025-04-23. Review status: criteria provided, single submitter. Criteria: ACMG Guidelines, 2015. Collection method: clinical testing. Allele origin: germline.
Comment: The ATL3 c.253T>C variant is predicted to result in the amino acid substitution p.Tyr85His. To our knowledge, this variant has not been reported in the literature or in a large population database (gnomAD), indicating this variant is rare. At this time, the clinical significance of this variant is uncertain due to the absence of conclusive functional and genetic evidence.